The following is an entry in ClinVar:

NM_004656.4(BAP1):c.375+1G>T

Gene: BAP1 (BRCA1 associated deubiquitinase 1; minus strand). Cytogenetic location: 3p21.1.
Variant type: single nucleotide variant.
Coding change: c.375+1G>T on transcript NM_004656.4 (MANE Select); the canonical splice donor site of the intron after coding-DNA position 375, G replaced by T.
Molecular consequence: splice donor variant.
Genome position (GRCh38, 1-based): chr3:52,407,957, C>A on the plus strand (G>T on the coding strand, the complement: BAP1 is on the minus strand). VCF-style: chr3-52407957-C-A. GRCh37 (hg19) VCF-style: chr3-52441973-C-A.
Other names: c.375+1G>T (NM_001410772.1).
Identifiers: ClinVar variation 652720 (VCV000652720.6), dbSNP rs775451516, ClinGen allele CA353111611.

ClinVar aggregate classification (germline): Likely pathogenic (1 of 4 stars; one submission).

Conditions:
BAP1-related tumor predisposition syndrome (TPDS1). Also called: Tumor susceptibility linked to germline BAP1 mutations; BAP1 tumor predisposition syndrome; TUMOR PREDISPOSITION SYNDROME 1; COMMON Syndrome. Identifiers: Orphanet 289539, MedGen C3280492, MONDO:0013692, OMIM 614327.

Submission:

Labcorp Genetics (formerly Invitae), Labcorp
Classification: Likely pathogenic for BAP1-related tumor predisposition syndrome. Last evaluated: 2018-10-31. Review status: criteria provided, single submitter. Criteria: Invitae Variant Classification Sherloc (09022015). Collection method: clinical testing. Allele origin: germline.
Comment: This sequence change affects a donor splice site in intron 5 of the BAP1 gene. It is expected to disrupt RNA splicing and likely results in an absent or disrupted protein product. This variant is not present in population databases (ExAC no frequency). This variant has not been reported in the literature in individuals with BAP1-related disease. Donor and acceptor splice site variants typically lead to a loss of protein function (PMID: 16199547), and loss-of-function variants in BAP1 are known to be pathogenic (PMID: 21874000, 23684012). In summary, the currently available evidence indicates that the variant is pathogenic, but additional data are needed to prove that conclusively. Therefore, this variant has been classified as Likely Pathogenic.

Literature cited by the submitters: PubMed 16199547; PubMed 21874000; PubMed 23684012.